The following is an entry in ClinVar:

NM_017654.4(SAMD9):c.1625T>C (p.Val542Ala)

Gene: SAMD9 (sterile alpha motif domain containing 9; minus strand). Cytogenetic location: 7q21.2.
Variant type: single nucleotide variant.
Coding change: c.1625T>C on transcript NM_017654.4 (MANE Select); coding-DNA position 1625, T replaced by C.
Protein change: p.Val542Ala; replaces valine 542 with alanine.
Molecular consequence: missense variant.
Genome position (GRCh38, 1-based): chr7:93,104,473, A>G on the plus strand (T>C on the coding strand, the complement: SAMD9 is on the minus strand). VCF-style: chr7-93104473-A-G. GRCh37 (hg19) VCF-style: chr7-92733786-A-G.
Other names: c.1625T>C, p.Val542Ala (NM_001193307.2); c.1625T>C (NM_017654.3); short protein forms V542A.
Identifiers: ClinVar variation 3636746 (VCV003636746.3).

ClinVar aggregate classification (germline): Uncertain significance. Review status: criteria provided, multiple submitters, no conflicts (2 of 4 stars). 2 submissions from 2 submitters: Uncertain significance (2). Last evaluated 2025-06-19.

Conditions:
Inborn genetic diseases. Identifiers: MedGen C0950123, MeSH D030342.

Submissions (2):

Ambry Genetics
Classification: Uncertain significance for Inborn genetic diseases. Last evaluated: 2025-06-19. Review status: criteria provided, single submitter. Criteria: Ambry Variant Classification Scheme 2023. Collection method: clinical testing. Allele origin: germline.
Comment: The p.V542A variant (also known as c.1625T>C), located in coding exon 1 of the SAMD9 gene, results from a T to C substitution at nucleotide position 1625. The valine at codon 542 is replaced by alanine, an amino acid with similar properties. This amino acid position is conserved. In addition, this alteration is predicted to be tolerated by in silico analysis. Based on the available evidence, the clinical significance of this variant remains unclear.

Labcorp Genetics (formerly Invitae), Labcorp
Classification: Uncertain significance. Last evaluated: 2024-11-27. Review status: criteria provided, single submitter. Criteria: Invitae Variant Classification Sherloc (09022015). Collection method: clinical testing. Allele origin: germline.
Comment: This sequence change replaces valine, which is neutral and non-polar, with alanine, which is neutral and non-polar, at codon 542 of the SAMD9 protein (p.Val542Ala). This variant is not present in population databases (gnomAD no frequency). This variant has not been reported in the literature in individuals affected with SAMD9-related conditions. Invitae Evidence Modeling of protein sequence and biophysical properties (such as structural, functional, and spatial information, amino acid conservation, physicochemical variation, residue mobility, and thermodynamic stability) has been performed for this missense variant. However, the output from this modeling did not meet the statistical confidence thresholds required to predict the impact of this variant on SAMD9 protein function. In summary, the available evidence is currently insufficient to determine the role of this variant in disease. Therefore, it has been classified as a Variant of Uncertain Significance.